The following is an entry in ClinVar:

NM_004614.5(TK2):c.156+6T>G

Gene: TK2 (thymidine kinase 2; minus strand). Cytogenetic location: 16q21.
Variant type: single nucleotide variant.
Coding change: c.156+6T>G on transcript NM_004614.5 (MANE Select); 6 bases into the intron after coding-DNA position 156, T replaced by G.
Molecular consequence: intron variant.
Genome position (GRCh38, 1-based): chr16:66,548,972, A>C on the plus strand (T>G on the coding strand, the complement: TK2 is on the minus strand). VCF-style: chr16-66548972-A-C. GRCh37 (hg19) VCF-style: chr16-66582875-A-C.
Other names: c.63+6T>G (NM_001271935.1, NM_001172643.1); c.156+6T>G (NM_001172644.2, NM_001172645.2); c.-87+6T>G (NM_001271934.2); c.-136+6T>G (NM_001272050.2).
Identifiers: ClinVar variation 1432101 (VCV001432101.8), dbSNP rs758270948, ClinGen allele CA8093812.
Genomic context (GRCh38, chr16:66,548,972, plus strand): 5'-CTTTTTTCTCTCTCCTCTTCAAAAAACCAAATTATCCTAGAGAGTACACATAAAAGAGGG[A>C]CTTACCACTGATTTTTTCTCTTTTTCCTGTTCTTTATCTACAAAAGAAAGGAAATCAGTT-3'

ClinVar aggregate classification (germline): Uncertain significance. Review status: criteria provided, multiple submitters, no conflicts (2 of 4 stars). 5 submissions from 5 submitters: Uncertain significance (5). Last evaluated 2025-11-24.

Conditions:
Mitochondrial disease. Also called: Mitochondrial disorder; Mitochondrial disorders. Identifiers: Orphanet 68380, MedGen C0751651, MeSH D028361, MONDO:0044970.
Mitochondrial DNA depletion syndrome, myopathic form (MTDPS2). Also called: MITOCHONDRIAL DNA DEPLETION SYNDROME 2 (MYOPATHIC TYPE); MITOCHONDRIAL DNA DEPLETION MYOPATHY, TK2-RELATED; TK2-Related Mitochondrial DNA Maintenance Defect, Myopathic Form. Identifiers: Orphanet 254875, MedGen C3149750, MONDO:0012301, OMIM 609560.

Allele frequency attached by ClinVar (database versions not stated): TOPMed below 0.00001; gnomAD 0.00001 and 0.00003; ExAC 0.00012; gnomAD exomes 0.00013.
gnomAD v4.1: 90 of 1,612,240 alleles (0.0056%); highest among the groups gnomAD compares: South Asian, 0.094%; no homozygotes.

Submissions (5):

Genomenon, Inc
Classification: Uncertain significance for Mitochondrial disease. Last evaluated: 2025-11-24. Review status: criteria provided, single submitter. Criteria: Genomenon Sequence Variant Interpretation Standards - Updated. Collection method: curation. Allele origin: germline. Affected: yes.
Comment: TK2 c.156+6T>G is an intronic variant located in the donor splice region of intron 2. This variant has been observed in a proband affected with mitochondrial disease in the compound heterozygous state (29602790). In silico models predict this variant does not significantly affect splicing. In conclusion, we classify TK2 c.156+6T>G as a variant of uncertain significance.

Revvity Omics, Revvity
Classification: Uncertain significance. Last evaluated: 2022-10-19. Review status: criteria provided, single submitter. Criteria: ACMG Guidelines, 2015. Collection method: clinical testing. Allele origin: germline.

Labcorp Genetics (formerly Invitae), Labcorp
Classification: Uncertain significance. Last evaluated: 2022-10-13. Review status: criteria provided, single submitter. Criteria: Invitae Variant Classification Sherloc (09022015). Collection method: clinical testing. Allele origin: germline.
Comment: This sequence change falls in intron 2 of the TK2 gene. It does not directly change the encoded amino acid sequence of the TK2 protein. It affects a nucleotide within the consensus splice site. This variant is present in population databases (rs758270948, gnomAD 0.1%). This variant has been observed in individual(s) with clinical features of TK2-related conditions (PMID: 29735374). ClinVar contains an entry for this variant (Variation ID: 1432101). Variants that disrupt the consensus splice site are a relatively common cause of aberrant splicing (PMID: 17576681, 9536098). Algorithms developed to predict the effect of sequence changes on RNA splicing suggest that this variant may disrupt the consensus splice site. In summary, the available evidence is currently insufficient to determine the role of this variant in disease. Therefore, it has been classified as a Variant of Uncertain Significance.

Women's Health and Genetics/Laboratory Corporation of America, LabCorp
Classification: Uncertain significance. Last evaluated: 2022-05-24. Review status: criteria provided, single submitter. Criteria: LabCorp Variant Classification Summary - May 2015. Collection method: clinical testing. Allele origin: germline.
Comment: Variant summary: TK2 c.156+6T>G alters a conserved nucleotide located close to a canonical splice site and therefore could affect mRNA splicing, leading to a significantly altered protein sequence. 4/4 computational tools predict no significant impact on normal splicing. However, these predictions have yet to be confirmed by functional studies. The variant allele was found at a frequency of 0.00013 in 251356 control chromosomes, predominantly at a frequency of 0.001 within the South Asian subpopulation in the gnomAD database. This frequency is not significantly higher than estimated for a pathogenic variant in TK2 causing Mitochondrial DNA Depletion Syndrome - TK2 Related (0.00013 vs 0.0011), allowing no conclusion about variant significance. c.156+6T>G has been reported in the literature as a compound heterozygous genotype in at-least two individuals affected with Mitochondrial DNA Depletion Syndrome - TK2 Related (example, Wang_2018, Dominguez-Gonzalez_2019 cited in Garone_2018). These data indicate that the variant may be associated with disease. To our knowledge, no experimental evidence demonstrating an impact on protein function has been reported. One clinical diagnostic laboratory has submitted clinical-significance assessments for this variant to ClinVar after 2014 and classified the variant as uncertain significance. Based on the evidence outlined above, the variant was classified as VUS-possibly pathogenic.

Neuberg Centre For Genomic Medicine, NCGM
Classification: Uncertain significance for Mitochondrial DNA depletion syndrome, myopathic form. Review status: criteria provided, single submitter. Criteria: ACMG Guidelines, 2015. Collection method: clinical testing. Allele origin: germline. Inheritance: Autosomal recessive inheritance. Affected: yes.

Literature cited by the submitters: PubMed 29602790 (cited by Genomenon, Inc and Women's Health and Genetics/Laboratory Corporation of America, LabCorp); PubMed 29735374 (cited by Labcorp Genetics (formerly Invitae), Labcorp and Women's Health and Genetics/Laboratory Corporation of America, LabCorp); PubMed 17576681 (cited by Labcorp Genetics (formerly Invitae), Labcorp); PubMed 9536098 (cited by Labcorp Genetics (formerly Invitae), Labcorp); PubMed 31060578 (cited by Women's Health and Genetics/Laboratory Corporation of America, LabCorp).